The following is an entry in ClinVar:

NM_002613.5(PDPK1):c.1593C>T (p.Asn531=)

Gene: PDPK1 (3-phosphoinositide dependent protein kinase 1; plus strand). Cytogenetic location: 16p13.3.
Variant type: single nucleotide variant.
Coding change: c.1593C>T on transcript NM_002613.5 (MANE Select); coding-DNA position 1593, C replaced by T.
Protein change: p.Asn531=; no amino-acid change (asparagine 531 retained).
Molecular consequence: synonymous variant. On other transcripts: 3 prime UTR variant (1).
Genome position (GRCh38, 1-based): chr16:2,597,689, C>T. VCF-style: chr16-2597689-C-T. GRCh37 (hg19) VCF-style: chr16-2647690-C-T.
Other names: c.*17C>T (NM_001261816.2); c.1212C>T, p.Asn404= (NM_031268.6).
Identifiers: ClinVar variation 3033227 (VCV003033227.2), dbSNP rs141143951, ClinGen allele CA7845754.

ClinVar aggregate classification (germline): Likely benign (0 of 4 stars; one submission).

Conditions:
PDPK1-related disorder. Also called: PDPK1-related condition.

Allele frequency attached by ClinVar (database versions not stated): 1000 Genomes Project 30x 0.00016; 1000 Genomes Project 0.00020; ESP Exome Variant Server 0.00031; TOPMed 0.00039; gnomAD exomes 0.00051; gnomAD 0.00058; ExAC 0.00063.
gnomAD v4.1: 832 of 1,613,712 alleles (0.052%); highest among the groups gnomAD compares: Non-Finnish European, 0.053%; 2 homozygotes.

Submission:

PreventionGenetics, part of Exact Sciences
Classification: Likely benign for PDPK1-related condition. Last evaluated: 2019-06-18. Review status: no assertion criteria provided. Collection method: clinical testing. Allele origin: germline.
Comment: This variant is classified as likely benign based on ACMG/AMP sequence variant interpretation guidelines (Richards et al. 2015 PMID: 25741868, with internal and published modifications).